The following is an entry in ClinVar:

NM_032482.3(DOT1L):c.798C>A (p.Ile266=)

Gene: DOT1L (DOT1 like histone lysine methyltransferase; plus strand). Cytogenetic location: 19p13.3.
Variant type: single nucleotide variant.
Coding change: c.798C>A on transcript NM_032482.3 (MANE Select); coding-DNA position 798, C replaced by A.
Protein change: p.Ile266=; no amino-acid change (isoleucine 266 retained).
Molecular consequence: synonymous variant.
Genome position (GRCh38, 1-based): chr19:2,206,739, C>A. VCF-style: chr19-2206739-C-A. GRCh37 (hg19) VCF-style: chr19-2206738-C-A.
Other names: c.798C>A, p.Ile266= (NM_001411141.1).
Identifiers: ClinVar variation 4534149 (VCV004534149.6).

ClinVar aggregate classification (germline): Likely benign (1 of 4 stars; one submission).

gnomAD v4.1: 3 of 1,613,868 alleles (0.00019%); highest among the groups gnomAD compares: South Asian, 0.0022%; no homozygotes.

Submission:

CeGaT Center for Human Genetics Tuebingen
Classification: Likely benign. Last evaluated: 2025-11-01. Review status: criteria provided, single submitter. Criteria: CeGaT Center For Human Genetics Tuebingen Variant Classification Criteria Version 2. Collection method: clinical testing. Allele origin: germline. Affected: yes. Observed: 1 variant allele.
Comment: DOT1L: BP4, BP7